The following is an entry in ClinVar:

ClinVar aggregate classification (germline): Uncertain significance. Review status: criteria provided, multiple submitters, no conflicts (2 of 4 stars). 2 submissions from 2 submitters: Uncertain significance (2). Last evaluated 2025-06-30.

Conditions:
Wilson disease (WND). Also called: Wilson's disease. Identifiers: Orphanet 905, MedGen C0019202, MONDO:0010200, OMIM 277900. Disease mechanism: loss of function.

Allele frequency attached by ClinVar (database versions not stated): gnomAD exomes below 0.00001.
gnomAD v4.1: 3 of 1,614,228 alleles (0.00019%); highest among the groups gnomAD compares: Non-Finnish European, 0.00025%; no homozygotes.

Submissions (2):

Color Diagnostics, LLC DBA Color Health
Classification: Uncertain significance for Wilson disease. Last evaluated: 2025-06-30. Review status: criteria provided, single submitter. Criteria: ACMG Guidelines, 2015. Collection method: clinical testing. Allele origin: germline.
Comment: This variant causes a C to T nucleotide substitution at the +4 position of intron 2/20 of the ATP7B gene. To our knowledge, functional studies have not been reported for this variant. This variant has not been reported in individuals affected with ATP7B-related disorders in the literature. This variant has not been identified in the general population by the Genome Aggregation Database (gnomAD). The available evidence is insufficient to determine the role of this variant in disease conclusively. Therefore, this variant is classified as a Variant of Uncertain Significance.

Labcorp Genetics (formerly Invitae), Labcorp
Classification: Uncertain significance for Wilson disease. Last evaluated: 2024-10-07. Review status: criteria provided, single submitter. Criteria: Invitae Variant Classification Sherloc (09022015). Collection method: clinical testing. Allele origin: germline.
Comment: This sequence change falls in intron 2 of the ATP7B gene. It does not directly change the encoded amino acid sequence of the ATP7B protein. It affects a nucleotide within the consensus splice site. This variant is not present in population databases (gnomAD no frequency). This variant has not been reported in the literature in individuals affected with ATP7B-related conditions. ClinVar contains an entry for this variant (Variation ID: 2190526). Variants that disrupt the consensus splice site are a relatively common cause of aberrant splicing (PMID: 17576681, 9536098). Algorithms developed to predict the effect of sequence changes on RNA splicing suggest that this variant is not likely to affect RNA splicing. In summary, the available evidence is currently insufficient to determine the role of this variant in disease. Therefore, it has been classified as a Variant of Uncertain Significance.

Literature cited by the submitters: PubMed 17576681 (cited by Labcorp Genetics (formerly Invitae), Labcorp); PubMed 9536098 (cited by Labcorp Genetics (formerly Invitae), Labcorp).

NM_000053.4(ATP7B):c.1285+4C>T

Gene: ATP7B (ATPase copper transporting beta; minus strand). Cytogenetic location: 13q14.3.
Variant type: single nucleotide variant.
Coding change: c.1285+4C>T on transcript NM_000053.4 (MANE Select); 4 bases into the intron after coding-DNA position 1285, C replaced by T.
Molecular consequence: intron variant.
Genome position (GRCh38, 1-based): chr13:51,973,931, G>A on the plus strand (C>T on the coding strand, the complement: ATP7B is on the minus strand). VCF-style: chr13-51973931-G-A. GRCh37 (hg19) VCF-style: chr13-52548067-G-A.
Other names: c.952+4C>T (NM_001243182.2); c.1285+4C>T (NM_001005918.3, NM_001330579.2, NM_001330578.2).
Identifiers: ClinVar variation 2190526 (VCV002190526.3), dbSNP rs1951966647, ClinGen allele CA2091556773.
Genomic context (GRCh38, chr13:51,973,931, plus strand): 5'-GGAGCTATAAGACACAAAGAGAAAAGGAGACAAGCTCAGGACATGCCTCAAACACACTAC[G>A]TACCAGAAACGACTGAAGCCTCAAATCCCATGTCTTCTATAGCAGCTCTGAGTTCTTCTG-3'